The following is an entry in ClinVar:

NM_130811.4(SNAP25):c.220G>A (p.Ala74Thr)

Gene: SNAP25 (synaptosome associated protein 25; plus strand). Cytogenetic location: 20p12.2.
Variant type: single nucleotide variant.
Coding change: c.220G>A on transcript NM_130811.4 (MANE Select); coding-DNA position 220, G replaced by A.
Protein change: p.Ala74Thr; replaces alanine 74 with threonine.
Molecular consequence: missense variant. On other transcripts: intron variant (2).
Genome position (GRCh38, 1-based): chr20:10,293,217, G>A. VCF-style: chr20-10293217-G-A. GRCh37 (hg19) VCF-style: chr20-10273865-G-A.
Other names: c.220G>A, p.Ala74Thr (NM_001322903.2, NM_001322904.2, NM_001322905.2 and 5 more transcripts); c.281+218G>A (NM_003081.5, NM_001322902.2); short protein forms A74T.
Identifiers: ClinVar variation 816911 (VCV000816911.5), dbSNP rs1600775326, ClinGen allele CA408265993.
Genomic context (GRCh38, chr20:10,293,217, plus strand): 5'-TCAGAACAACTGGAACGCATTGAGGAAGGGATGGACCAAATCAATAAGGACATGAAAGAA[G>A]CAGAAAAGAATTTGACGGACCTAGGAAAATTCTGCGGGCTTTGTGTGTGTCCCTGTAACA-3'
Protein context (NP_570824.1, residues 64-84): MDQINKDMKE[Ala74Thr]EKNLTDLGKF

ClinVar aggregate classification (germline): Uncertain significance. Review status: criteria provided, multiple submitters, no conflicts (2 of 4 stars). 3 submissions from 3 submitters: Uncertain significance (3). Last evaluated 2025-08-14.

Conditions:
Congenital myasthenic syndrome 18. Also called: MYASTHENIC SYNDROME, CONGENITAL, 18, WITH INTELLECTUAL DISABILITY AND ATAXIA. Identifiers: Orphanet 590, MedGen C4225364, MONDO:0014590, OMIM 616330.
Developmental and epileptic encephalopathy. Identifiers: MedGen C5779964, MONDO:0100620.

Submissions (3):

GeneDx
Classification: Uncertain significance. Last evaluated: 2025-08-14. Review status: criteria provided, single submitter. Criteria: GeneDx Variant Classification Process June 2021. Collection method: clinical testing. Allele origin: germline. Affected: yes.
Comment: Not observed at significant frequency in large population cohorts (gnomAD); In silico analysis supports a deleterious effect on splicing; Reported using an alternate transcript of the gene; This variant is associated with the following publications: (PMID: 33299146)

Institute of Human Genetics, University of Leipzig Medical Center
Classification: Uncertain significance for Early-infantile DEE. Last evaluated: 2020-07-15. Review status: criteria provided, single submitter. Criteria: ACMG Guidelines, 2015. Collection method: clinical testing. Allele origin: maternal. Affected: yes.

Genomic Medicine Lab, University of California San Francisco
Classification: Uncertain significance for Congenital myasthenic syndrome 18. Last evaluated: 2018-10-25. Review status: criteria provided, single submitter. Criteria: ACMG Guidelines, 2015. Collection method: clinical testing. Allele origin: maternal. Inheritance: Autosomal dominant inheritance. Study: CSER.

Literature cited by the submitters: PubMed 33299146 (cited by Institute of Human Genetics, University of Leipzig Medical Center).